The following is an entry in ClinVar:

ClinVar aggregate classification (germline): Benign/Likely benign. Review status: criteria provided, multiple submitters, no conflicts (2 of 4 stars). 7 submissions from 7 submitters: Benign (2); Likely benign (2). 3 of the submissions do not count toward it. Last evaluated 2026-01-28.

Conditions:
PKHD1-related disorder. Also called: PKHD1-related condition.
Autosomal recessive polycystic kidney disease (ARPKD). Also called: AR polycystic kidney disease. Identifiers: Orphanet 731, Orphanet 8378, MedGen C0085548, MeSH D017044, MONDO:0009889.
Polycystic kidney disease. Also called: Polycystic kidney dysplasia; Kidney, Polycystic. Identifiers: MedGen C0022680, MeSH D007690, MONDO:0020642, HP:0000113.

Allele frequency attached by ClinVar (database versions not stated): gnomAD 0.00001 and 0.00064; TOPMed 0.00008; gnomAD exomes 0.00084 and 0.00169; ExAC 0.00190; 1000 Genomes Project 30x 0.00390; 1000 Genomes Project 0.00459.
gnomAD v4.1: 1,327 of 1,611,556 alleles (0.082%); highest among the groups gnomAD compares: South Asian, 1.4%; 7 homozygotes.

Submissions (7):

Labcorp Genetics (formerly Invitae), Labcorp
Classification: Benign for Autosomal recessive polycystic kidney disease. Last evaluated: 2026-01-28. Review status: criteria provided, single submitter. Criteria: Invitae Variant Classification Sherloc (09022015). Collection method: clinical testing. Allele origin: germline.

Blueprint Genetics
Classification: Likely benign. Last evaluated: 2024-11-26. Review status: criteria provided, single submitter. Criteria: ACMG Guidelines, 2015. Collection method: clinical testing. Allele origin: germline.

Women's Health and Genetics/Laboratory Corporation of America, LabCorp
Classification: Benign. Last evaluated: 2018-10-12. Review status: criteria provided, single submitter. Criteria: LabCorp Variant Classification Summary - May 2015. Collection method: clinical testing. Allele origin: germline.
Comment: Variant summary: PKHD1 c.7482A>T alters a conserved nucleotide resulting in a synonymous change. 5/5 computational tools predict no significant impact on normal splicing. However, these predictions have yet to be confirmed by functional studies. The variant allele was found at a frequency of 0.0015 in 277046 control chromosomes, predominantly at a frequency of 0.013 within the South Asian subpopulation in the gnomAD database, including 2 homozygotes. The observed variant frequency within South Asian control individuals in the gnomAD database is approximately 2-folds higher than the estimated maximal expected allele frequency for a pathogenic variant in PKHD1 causing Polycystic Kidney and Hepatic Disease phenotype (0.0071), strongly suggesting that the variant is a benign polymorphism found primarily in populations of South Asian origin. To our knowledge, no occurrence of c.7482A>T in individuals affected with Polycystic Kidney and Hepatic Disease and no experimental evidence demonstrating its impact on protein function have been reported. A ClinVar submission from a clinical diagnostic laboratory (evaluation after 2014) cites the variant as uncertain significance. Based on the evidence outlined above, the variant was classified as benign.

Illumina Laboratory Services, Illumina
Classification: Likely benign for Polycystic kidney disease 4. Last evaluated: 2018-01-12. Review status: criteria provided, single submitter. Criteria: ICSL Variant Classification Criteria 13 December 2019. Collection method: clinical testing. Allele origin: germline.
Comment: This variant was observed in the ICSL laboratory as part of a predisposition screen in an ostensibly healthy population. It had not been previously curated by ICSL or reported in the Human Gene Mutation Database (HGMD: prior to June 1st, 2018), and was therefore a candidate for classification through an automated scoring system. Utilizing variant allele frequency, disease prevalence and penetrance estimates, and inheritance mode, an automated score was calculated to assess if this variant is too frequent to cause the disease. Based on the score and internal cut-off values, a variant classified as likely benign is not then subjected to further curation. The score for this variant resulted in a classification of likely benign for this disease.

PreventionGenetics, part of Exact Sciences
Classification: Benign for PKHD1-related condition. Last evaluated: 2019-04-22. Review status: no assertion criteria provided. Collection method: clinical testing. Allele origin: germline. Not counted in ClinVar's aggregate classification.
Comment: This variant is classified as benign based on ACMG/AMP sequence variant interpretation guidelines (Richards et al. 2015 PMID: 25741868, with internal and published modifications).

Natera, Inc.
Classification: Likely benign for Autosomal recessive polycystic kidney disease. Last evaluated: 2017-05-11. Review status: no assertion criteria provided. Collection method: clinical testing. Allele origin: germline. Not counted in ClinVar's aggregate classification.

Department of Pathology and Laboratory Medicine, Sinai Health System
Classification: Likely benign for Polycystic Kidney disease. Review status: no assertion criteria provided. Collection method: clinical testing. Allele origin: unknown. Affected: yes. Study: The Canadian Open Genetics Repository (COGR). Not counted in ClinVar's aggregate classification.
Comment: The PKHD1 p.Gly2494= variant was not identified in the literature. The variant was identified in ClinVar (2 stars, classified as benign by Invitae and Integrated Genetics, likely benign by Illumina). The variant was identified in the dbSNP database (rs199996156). The variant was identified in control databases in 426 of 282704 chromosomes (2 homozygous) at a frequency of 0.001507, and was observed at the highest frequency in the South Asian population in 413 of 30600 chromosomes, at a frequency of 0.01350. (Genome Aggregation Database March 6, 2019, v2.1.1). The p.Gly2494= variant does not alter the amino acid residue, and occurs outside of the splicing consensus sequence. In silico or computational prediction software programs (Splice AI exome) do not predict a deleterious effect on splicing. In summary, based on the above information the clinical significance of this variant cannot be determined with certainty at this time although we would lean towards a more benign role for this variant. This variant is classified as likely benign.

NM_138694.4(PKHD1):c.7482A>T (p.Gly2494=)

Gene: PKHD1 (PKHD1 ciliary IPT domain containing fibrocystin/polyductin; minus strand). Cytogenetic location: 6p12.2.
Variant type: single nucleotide variant.
Coding change: c.7482A>T on transcript NM_138694.4 (MANE Select); coding-DNA position 7482, A replaced by T.
Protein change: p.Gly2494=; no amino-acid change (glycine 2494 retained).
Molecular consequence: synonymous variant.
Genome position (GRCh38, 1-based): chr6:51,870,508, T>A on the plus strand (A>T on the coding strand, the complement: PKHD1 is on the minus strand). VCF-style: chr6-51870508-T-A. GRCh37 (hg19) VCF-style: chr6-51735306-T-A.
Other names: c.7482A>T, p.Gly2494= (NM_170724.3).
Identifiers: ClinVar variation 357429 (VCV000357429.26), dbSNP rs199996156, ClinGen allele CA3851924.
Genomic context (GRCh38, chr6:51,870,508, plus strand): 5'-TACTGACTTGAATATGGGCCTTATTTATCATCTGTTCTGTCTATTCAAATAATTACCTTG[T>A]CCTTGGGAACAGTCTGAACAGGTTCTAATGGCCACACAGTTGATGAGATCAAAATTAACA-3'
Protein context (NP_619639.3, residues 2484-2504): AIRTCSDCSQ[Gly2494=]QGGFTVKTSQ